The following is an entry in ClinVar:

ClinVar aggregate classification (germline): Pathogenic. Review status: criteria provided, multiple submitters, no conflicts (2 of 4 stars). 4 submissions from 4 submitters: Pathogenic (2). 2 of the submissions do not count toward it. Last evaluated 2024-11-19.

Conditions:
LCT-related disorder. Also called: LCT-related condition.
Congenital lactase deficiency. Also called: ALACTASIA, CONGENITAL; DISACCHARIDE INTOLERANCE II. Identifiers: Orphanet 53690, MedGen C0268179, MONDO:0009115, OMIM 223000.

Allele frequency attached by ClinVar (database versions not stated): TOPMed 0.00002; gnomAD exomes 0.00028 and 0.00087; ExAC 0.00049; gnomAD 0.00070 and 0.00075.
gnomAD v4.1: 502 of 1,613,974 alleles (0.031%); highest among the groups gnomAD compares: Non-Finnish European, 0.00025%; 2 homozygotes.

Submissions (4):

Blueprint Genetics
Classification: Pathogenic for LCT-related disorders. Last evaluated: 2024-11-19. Review status: criteria provided, single submitter. Criteria: ACMG Guidelines, 2015. Collection method: clinical testing. Allele origin: germline. Affected: yes. Observed: 5 variant alleles.

Labcorp Genetics (formerly Invitae), Labcorp
Classification: Pathogenic. Last evaluated: 2024-11-03. Review status: criteria provided, single submitter. Criteria: Invitae Variant Classification Sherloc (09022015). Collection method: clinical testing. Allele origin: germline.
Comment: This sequence change creates a premature translational stop signal (p.Tyr1390*) in the LCT gene. It is expected to result in an absent or disrupted protein product. Loss-of-function variants in LCT are known to be pathogenic (PMID: 16400612, 25881162). This variant is present in population databases (rs121908936, gnomAD 0.9%), including at least one homozygous and/or hemizygous individual. This premature translational stop signal has been observed in individual(s) with congenital lactase deficiency (PMID: 16400612). ClinVar contains an entry for this variant (Variation ID: 6586). For these reasons, this variant has been classified as Pathogenic.

Reproductive Health Research and Development, BGI Genomics
Classification: Pathogenic for Congenital lactase deficiency. Last evaluated: 2020-01-06. Review status: no assertion criteria provided. Collection method: curation. Allele origin: germline. Not counted in ClinVar's aggregate classification.
Comment: NM_002299.2:c.4170T>A in the LCT gene has an allele frequency of 0.01 in European (Finnish) subpopulation in the gnomAD database. Twenty-seven patients out of 32 (84%) affected with congenital lactase deficiency were homozygous for this nonsense mutation, c.4170T>A (p.Y1390X) (PMID: 16400612). This variant is predicted to cause loss of normal protein function either through protein truncation or nonsense-mediated mRNA decay. Taken together, we interprete this variant as Pathogenic/Likely pathogenic. ACMG/AMP Criteria applied: PVS1; PS4.

OMIM
Classification: Pathogenic for LACTASE DEFICIENCY, CONGENITAL. Last evaluated: 2006-02-01. Review status: no assertion criteria provided. Collection method: literature only. Allele origin: germline. Not counted in ClinVar's aggregate classification.

Literature cited by the submitters: PubMed 16400612 (cited by Labcorp Genetics (formerly Invitae), Labcorp and OMIM); PubMed 25881162 (cited by Labcorp Genetics (formerly Invitae), Labcorp).

NM_002299.4(LCT):c.4170T>A (p.Tyr1390Ter)

Gene: LCT (lactase; minus strand). Cytogenetic location: 2q21.3.
Variant type: single nucleotide variant.
Coding change: c.4170T>A on transcript NM_002299.4 (MANE Select); coding-DNA position 4170, T replaced by A.
Protein change: p.Tyr1390Ter; replaces tyrosine 1390 with a stop codon.
Molecular consequence: nonsense.
Genome position (GRCh38, 1-based): chr2:135,807,131, A>T on the plus strand (T>A on the coding strand, the complement: LCT is on the minus strand). VCF-style: chr2-135807131-A-T. GRCh37 (hg19) VCF-style: chr2-136564701-A-T.
Other names: c.4170T>A, p.Tyr1390Ter (LRG_338t1); short protein forms Y1390*.
Identifiers: ClinVar variation 6586 (VCV000006586.5), dbSNP rs121908936, ClinGen allele CA118360.